The following is an entry in ClinVar:

NM_052947.4(ALPK2):c.1996T>C (p.Ser666Pro)

Gene: ALPK2 (alpha kinase 2; minus strand). Cytogenetic location: 18q21.31.
Variant type: single nucleotide variant.
Coding change: c.1996T>C on transcript NM_052947.4 (MANE Select); coding-DNA position 1996, T replaced by C.
Protein change: p.Ser666Pro; replaces serine 666 with proline.
Molecular consequence: missense variant.
Genome position (GRCh38, 1-based): chr18:58,538,191, A>G on the plus strand (T>C on the coding strand, the complement: ALPK2 is on the minus strand). VCF-style: chr18-58538191-A-G. GRCh37 (hg19) VCF-style: chr18-56205423-A-G.
Other names: short protein forms S666P.
Identifiers: ClinVar variation 2561802 (VCV002561802.2), dbSNP rs1190104985, ClinGen allele CA402571936.
Genomic context (GRCh38, chr18:58,538,191, plus strand): 5'-TCCCAGTGAATGGGGACTCCTCCCCAGCAGGCTCTGAGAAAGCTGGCATCTGGCTGCAAG[A>G]GATTGTCTCTCTGACTGTTTCCTGAACTTGTACCTAGGAAGATGAAAAGTGATATTAGTA-3'
Protein context (NP_443179.3, residues 656-676): QVQETVRETI[Ser666Pro]CSQMPAFSEP

ClinVar aggregate classification (germline): Uncertain significance (1 of 4 stars; one submission).

Allele frequency attached by ClinVar (database versions not stated): TOPMed below 0.00001.

Submission:

Ambry Genetics
Classification: Uncertain significance. Last evaluated: 2023-03-23. Review status: criteria provided, single submitter. Criteria: Ambry Variant Classification Scheme 2023. Collection method: clinical testing. Allele origin: germline.
Comment: The p.S666P variant (also known as c.1996T>C), located in coding exon 4 of the ALPK2 gene, results from a T to C substitution at nucleotide position 1996. The serine at codon 666 is replaced by proline, an amino acid with similar properties. This amino acid position is conserved. In addition, this alteration is predicted to be tolerated by in silico analysis. Since supporting evidence is limited at this time, the clinical significance of this alteration remains unclear.